The following is an entry in ClinVar:

NM_003873.7(NRP1):c.2062+9G>A

Gene: NRP1 (neuropilin 1; minus strand). Cytogenetic location: 10p11.22.
Variant type: single nucleotide variant.
Coding change: c.2062+9G>A on transcript NM_003873.7 (MANE Select); 9 bases into the intron after coding-DNA position 2062, G replaced by A.
Molecular consequence: intron variant.
Genome position (GRCh38, 1-based): chr10:33,192,272, C>T on the plus strand (G>A on the coding strand, the complement: NRP1 is on the minus strand). VCF-style: chr10-33192272-C-T. GRCh37 (hg19) VCF-style: chr10-33481200-C-T.
Other names: c.2041+9G>A (NM_001244973.2, NM_001244972.2); c.2062+9G>A (NM_001330068.2).
Identifiers: ClinVar variation 3357099 (VCV003357099.1).

ClinVar aggregate classification (germline): Likely benign (0 of 4 stars; one submission).

Conditions:
NRP1-related disorder. Also called: NRP1-related condition.

gnomAD v4.1: 24 of 1,611,840 alleles (0.0015%); highest among the groups gnomAD compares: African/African-American, 0.004%; no homozygotes.

Submission:

PreventionGenetics, part of Exact Sciences
Classification: Likely benign for NRP1-related condition. Last evaluated: 2022-02-28. Review status: no assertion criteria provided. Collection method: clinical testing. Allele origin: germline.
Comment: This variant is classified as likely benign based on ACMG/AMP sequence variant interpretation guidelines (Richards et al. 2015 PMID: 25741868, with internal and published modifications).